The following is an entry in ClinVar:

ClinVar aggregate classification (germline): Uncertain significance (1 of 4 stars; one submission).

Conditions:
Congenital dyserythropoietic anemia type type 1B (CDAN1B). Also called: C15ORF41-Related Congenital Dyserythropoietic Anemia; ANEMIA, CONGENITAL DYSERYTHROPOIETIC, TYPE Ib; CDA, TYPE Ib. Identifiers: Orphanet 98869, MedGen C3810185, MONDO:0014285, OMIM 615631.

Submission:

SIB Swiss Institute of Bioinformatics
Classification: Uncertain significance for Congenital dyserythropoietic anemia type type 1B. Last evaluated: 2019-07-11. Review status: criteria provided, single submitter. Criteria: ACMG Guidelines, 2015. Collection method: curation. Allele origin: unknown.
Comment: This variant is interpreted as a variant of uncertain significance for congenital dyserythropoietic anemia type Ib, autosomal recessive. The following ACMG Tag(s) were applied: PM2; PP3.

Literature cited by the submitters: PubMed 29885034.

NM_001321759.2(CDIN1):c.59C>G (p.Pro20Arg)

Gene: CDIN1 (CDAN1 interacting nuclease 1; plus strand). Cytogenetic location: 15q14.
Variant type: single nucleotide variant.
Coding change: c.59C>G on transcript NM_001321759.2 (MANE Select); coding-DNA position 59, C replaced by G.
Protein change: p.Pro20Arg; replaces proline 20 with arginine.
Molecular consequence: missense variant. On other transcripts: 5 prime UTR variant (2).
Genome position (GRCh38, 1-based): chr15:36,579,919, C>G. VCF-style: chr15-36579919-C-G. GRCh37 (hg19) VCF-style: chr15-36872120-C-G.
Other names: c.59C>G, p.Pro20Arg (NM_001130010.3, NM_001290233.2, NM_001321758.2 and 2 more transcripts); c.-190C>G (NM_001321756.2); c.-345C>G (NM_001321757.2); short protein forms P20R.
Identifiers: ClinVar variation 692133 (VCV000692133.1), dbSNP rs1595696464, ClinGen allele CA391924077.
Genomic context (GRCh38, chr15:36,579,919, plus strand): 5'-ACATGATACTGACCAAAGCTCAGTACGACGAGATAGCCCAGTGCCTAGTGTCTGTGCCGC[C>G]TACCAGGCAGAGCCTGAGGAAGCTGAAGCAGAGGTTTCCCAGGTAAGTGTCCATCTCTCC-3'
Protein context (NP_001308688.1, residues 10-30): EIAQCLVSVP[Pro20Arg]TRQSLRKLKQ